The following is an entry in ClinVar:

ClinVar aggregate classification (germline): Benign/Likely benign. Review status: criteria provided, multiple submitters, no conflicts (2 of 4 stars). 6 submissions from 6 submitters: Benign (2); Likely benign (4). Last evaluated 2025-12-28.

Conditions:
Dubin-Johnson syndrome (DJS). Also called: HYPERBILIRUBINEMIA, DUBIN-JOHNSON TYPE; Hyperbilirubinemia type 2; Jaundice, Chronic Idiopathic. Identifiers: Orphanet 234, MedGen C0022350, MONDO:0009380, OMIM 237500.

Allele frequency attached by ClinVar (database versions not stated): gnomAD exomes 0.00047 and 0.00096; ExAC 0.00124; ESP Exome Variant Server 0.00300; gnomAD 0.00315 and 0.00331; TOPMed 0.00339; 1000 Genomes Project 0.00539; 1000 Genomes Project 30x 0.00609.
gnomAD v4.1: 1,175 of 1,614,206 alleles (0.073%); highest among the groups gnomAD compares: African/African-American, 1.1%; 4 homozygotes.

Submissions (6):

Labcorp Genetics (formerly Invitae), Labcorp
Classification: Benign. Last evaluated: 2025-12-28. Review status: criteria provided, single submitter. Criteria: Invitae Variant Classification Sherloc (09022015). Collection method: clinical testing. Allele origin: germline.

Mayo Clinic Laboratories, Mayo Clinic
Classification: Likely benign. Last evaluated: 2025-07-30. Review status: criteria provided, single submitter. Criteria: ACMG Guidelines, 2015. Collection method: clinical testing. Allele origin: germline. Observed: 4 variant alleles.
Comment: BS1, BP2, BP4

Blueprint Genetics
Classification: Likely benign. Last evaluated: 2024-08-23. Review status: criteria provided, single submitter. Criteria: ACMG Guidelines, 2015. Collection method: clinical testing. Allele origin: germline.

CeGaT Center for Human Genetics Tuebingen
Classification: Benign. Last evaluated: 2023-11-01. Review status: criteria provided, single submitter. Criteria: CeGaT Center For Human Genetics Tuebingen Variant Classification Criteria Version 2. Collection method: clinical testing. Allele origin: germline. Affected: yes. Observed: 1 variant allele.
Comment: ABCC2: BP4, BS1, BS2

Illumina Laboratory Services, Illumina
Classification: Likely benign for Dubin-Johnson syndrome. Last evaluated: 2017-04-28. Review status: criteria provided, single submitter. Criteria: ICSL Variant Classification Criteria 13 December 2019. Collection method: clinical testing. Allele origin: germline.
Comment: This variant was observed as part of a predisposition screen in an ostensibly healthy population. A literature search was performed for the gene, cDNA change, and amino acid change (where applicable). Publications were found based on this search. The evidence from the literature, in combination with allele frequency data from public databases where available, was sufficient to determine this variant is unlikely to cause disease. Therefore, this variant is classified as likely benign.

Breakthrough Genomics
Classification: Likely benign. Review status: criteria provided, single submitter. Criteria: ACMG Guidelines, 2015. Collection method: not provided. Allele origin: germline. Inheritance: Autosomal recessive inheritance. Affected: yes.

Literature cited by the submitters: PubMed 16847695 (cited by Mayo Clinic Laboratories, Mayo Clinic); PubMed 16952291 (cited by Mayo Clinic Laboratories, Mayo Clinic and Illumina Laboratory Services, Illumina); PubMed 21044052 (cited by Mayo Clinic Laboratories, Mayo Clinic and Illumina Laboratory Services, Illumina); PubMed 20981092 (cited by Illumina Laboratory Services, Illumina).

NM_000392.5(ABCC2):c.3817A>G (p.Thr1273Ala)

Gene: ABCC2 (ATP binding cassette subfamily C member 2; plus strand). Cytogenetic location: 10q24.2.
Variant type: single nucleotide variant.
Coding change: c.3817A>G on transcript NM_000392.5 (MANE Select); coding-DNA position 3817, A replaced by G.
Protein change: p.Thr1273Ala; replaces threonine 1273 with alanine.
Molecular consequence: missense variant.
Genome position (GRCh38, 1-based): chr10:99,843,874, A>G. VCF-style: chr10-99843874-A-G. GRCh37 (hg19) VCF-style: chr10-101603631-A-G.
Other names: p.Thr1273Ala; short protein forms T1273A.
Identifiers: ClinVar variation 783579 (VCV000783579.38), dbSNP rs8187699, ClinGen allele CA5643954.
Genomic context (GRCh38, chr10:99,843,874, plus strand): 5'-AACTGGCTGGTGAGGATGACATCAGAAATAGAGACCAACATTGTGGCTGTTGAGCGAATA[A>G]CTGAGTACACAAAAGTGGAAAATGAGGTAAGGAGGAACTGGAAAAATCCAGGAACAAGGC-3'
Protein context (NP_000383.2, residues 1263-1283): ETNIVAVERI[Thr1273Ala]EYTKVENEAP